The following is an entry in ClinVar:

ClinVar aggregate classification (germline): Uncertain significance (1 of 4 stars; one submission).

Conditions:
Inborn genetic diseases. Identifiers: MedGen C0950123, MeSH D030342.

Submission:

Ambry Genetics
Classification: Uncertain significance for Inborn genetic diseases. Last evaluated: 2018-06-21. Review status: criteria provided, single submitter. Criteria: Ambry Variant Classification Scheme 2023. Collection method: clinical testing. Allele origin: germline.
Comment: The p.D802N variant (also known as c.2404G>A), located in coding exon 11 of the NRXN1 gene, results from a G to A substitution at nucleotide position 2404. The aspartic acid at codon 802 is replaced by asparagine, an amino acid with highly similar properties. This amino acid position is not well conserved in available vertebrate species. In addition, this alteration is predicted to be tolerated by in silico analysis. Since supporting evidence is limited at this time, the clinical significance of this alteration remains unclear.

NM_001330078.2(NRXN1):c.2284G>A (p.Asp762Asn)

Gene: NRXN1 (neurexin 1; minus strand). Cytogenetic location: 2p16.3.
Variant type: single nucleotide variant.
Coding change: c.2284G>A on transcript NM_001330078.2 (MANE Select); coding-DNA position 2284, G replaced by A.
Protein change: p.Asp762Asn; replaces aspartic acid 762 with asparagine.
Molecular consequence: missense variant.
Genome position (GRCh38, 1-based): chr2:50,531,290, C>T on the plus strand (G>A on the coding strand, the complement: NRXN1 is on the minus strand). VCF-style: chr2-50531290-C-T. GRCh37 (hg19) VCF-style: chr2-50758428-C-T.
Other names: c.2404G>A, p.Asp802Asn (NM_001135659.3); c.2260G>A, p.Asp754Asn (NM_001330077.2, NM_001330082.2, NM_001330095.2); c.2245G>A, p.Asp749Asn (NM_001330083.2, NM_001330084.2); c.2284G>A, p.Asp762Asn (NM_001330085.2, NM_001330086.2, NM_004801.6); c.2200G>A, p.Asp734Asn (NM_001330087.2, NM_001330096.2); c.2230G>A, p.Asp744Asn (NM_001330088.2); c.2281G>A, p.Asp761Asn (NM_001330093.2); c.2272G>A, p.Asp758Asn (NM_001330094.2); short protein forms D734N, D758N, D749N, D754N, D761N, D762N, D744N, D802N.
Identifiers: ClinVar variation 1790777 (VCV001790777.2), dbSNP rs2465580184, ClinGen allele CA346769529.